The following is an entry in ClinVar:

ClinVar aggregate classification (germline): Likely benign. Review status: criteria provided, multiple submitters, no conflicts (2 of 4 stars). 4 submissions from 4 submitters: Likely benign (3). 1 of the submissions does not count toward it. Last evaluated 2026-07-01.

Conditions:
Cardiovascular phenotype. Identifiers: MedGen CN230736.
Osteogenesis imperfecta type I (OI1). Also called: Classic Non-deforming Osteogenesis Imperfecta with Blue Sclerae; OI, TYPE I; OSTEOGENESIS IMPERFECTA TARDA; OSTEOGENESIS IMPERFECTA WITH BLUE SCLERAE; Osteogenesis imperfecta type 1; Lobstein's Disease. Identifiers: Orphanet 216796, Orphanet 666, MedGen C0023931, MONDO:0008146, OMIM 166200. Disease mechanism: loss of function.
COL1A1-related disorder. Also called: COL1A1- related disease; COL1A1-related condition.

Allele frequency attached by ClinVar (database versions not stated): ExAC 0.00001; gnomAD exomes 0.00001; TOPMed 0.00004; gnomAD 0.00005; 1000 Genomes Project 30x 0.00016; 1000 Genomes Project 0.00020.
gnomAD v4.1: 19 of 1,613,654 alleles (0.0012%); highest among the groups gnomAD compares: African/African-American, 0.024%; no homozygotes.

Submissions (4):

CeGaT Center for Human Genetics Tuebingen
Classification: Likely benign. Last evaluated: 2026-07-01. Review status: criteria provided, single submitter. Criteria: CeGaT Center For Human Genetics Tuebingen Variant Classification Criteria Version 2. Collection method: clinical testing. Allele origin: germline. Affected: yes. Observed: 1 variant allele.
Comment: COL1A1: BP4, BP7

Labcorp Genetics (formerly Invitae), Labcorp
Classification: Likely benign for Osteogenesis imperfecta type I. Last evaluated: 2022-09-12. Review status: criteria provided, single submitter. Criteria: Invitae Variant Classification Sherloc (09022015). Collection method: clinical testing. Allele origin: germline.

Ambry Genetics
Classification: Likely benign for Cardiovascular phenotype. Last evaluated: 2020-11-08. Review status: criteria provided, single submitter. Criteria: Ambry Variant Classification Scheme 2023. Collection method: clinical testing. Allele origin: germline.

PreventionGenetics, part of Exact Sciences
Classification: Likely benign for COL1A1-related condition. Last evaluated: 2024-02-21. Review status: no assertion criteria provided. Collection method: clinical testing. Allele origin: germline. Not counted in ClinVar's aggregate classification.
Comment: This variant is classified as likely benign based on ACMG/AMP sequence variant interpretation guidelines (Richards et al. 2015 PMID: 25741868, with internal and published modifications).

NM_000088.4(COL1A1):c.1236T>C (p.Pro412=)

Gene: COL1A1 (collagen type I alpha 1 chain; minus strand). Cytogenetic location: 17q21.33.
Variant type: single nucleotide variant.
Coding change: c.1236T>C on transcript NM_000088.4 (MANE Select); coding-DNA position 1236, T replaced by C.
Protein change: p.Pro412=; no amino-acid change (proline 412 retained).
Molecular consequence: synonymous variant.
Genome position (GRCh38, 1-based): chr17:50,195,295, A>G on the plus strand (T>C on the coding strand, the complement: COL1A1 is on the minus strand). VCF-style: chr17-50195295-A-G. GRCh37 (hg19) VCF-style: chr17-48272656-A-G.
Identifiers: ClinVar variation 763709 (VCV000763709.14), dbSNP rs560859897, ClinGen allele CA8645340.